The following is an entry in ClinVar:

ClinVar aggregate classification (germline): Likely benign. Review status: reviewed by expert panel (3 of 4 stars). 4 submissions from 4 submitters: Likely benign (1). 3 of the submissions do not count toward it. Last evaluated 2024-02-23.

Conditions:
Inborn genetic diseases. Identifiers: MedGen C0950123, MeSH D030342.
Christianson syndrome (MRXSCH). Also called: SLC9A6-Related Syndromic Mental Retardation; X-linked mental retardation, syndromic, Christianson type; INTELLECTUAL DEVELOPMENTAL DISORDER, X-LINKED, SYNDROMIC, CHRISTIANSON TYPE. Identifiers: Orphanet 85278, MedGen C2678194, MONDO:0010278, OMIM 300243.

Allele frequency attached by ClinVar (database versions not stated): gnomAD 0.00001; gnomAD exomes 0.00001 and 0.00003; TOPMed 0.00002.
gnomAD v4.1: 34 of 1,155,445 alleles (0.0029%); highest among the groups gnomAD compares: Non-Finnish European, 0.004%; no homozygotes.

Submissions (4):

ClinGen Rett and Angelman-like Disorders Variant Curation Expert Panel
Classification: Likely benign for Christianson syndrome. Last evaluated: 2024-02-23. Review status: reviewed by expert panel. Criteria: ClinGen RettAS ACMG Specifications SLC9A6 V3.0.0. Collection method: curation. Allele origin: germline. Inheritance: X-linked inheritance.
Comment: The c.698-5A>G variant in SLC9A6 (NM_006359.2) is present in 26 XX and 8 XY individuals in gnomAD v4 (0.004%) (not sufficient to meet BS1 criteria). Splice prediction analysis, using multiple computational tools does not suggest an impact to splicing (BP4). The c.698-5A>G variant is observed in the hemizyous state in at least 2 unaffected individuals (internal database - GeneDx) (BS2). In summary, the c.698-5A>G variant in SLC9A6 is classified as likely benign based on the ACMG/AMP criteria (BP4, BS2, BP5).

Labcorp Genetics (formerly Invitae), Labcorp
Classification: Likely benign for Christianson syndrome. Last evaluated: 2025-12-03. Review status: criteria provided, single submitter. Criteria: Invitae Variant Classification Sherloc (09022015). Collection method: clinical testing. Allele origin: germline. Not counted in ClinVar's aggregate classification.

Ambry Genetics
Classification: Uncertain significance for Inborn genetic diseases. Last evaluated: 2017-05-05. Review status: criteria provided, single submitter. Criteria: Ambry Variant Classification Scheme 2023. Collection method: clinical testing. Allele origin: germline. Not counted in ClinVar's aggregate classification.
Comment: The c.698-5A>G intronic variant results from an A to G substitution 5 nucleotides upstream from coding exon 6 in the SLC9A6 gene. This nucleotide position is not well conserved in available vertebrate species. Using the BDGP and ESEfinder splice site prediction tools, this alteration is not predicted to have any significant effect on this splice acceptor site; however, direct evidence is unavailable. Since supporting evidence is limited at this time, the clinical significance of this alteration remains unclear.

GeneDx
Classification: Likely benign. Last evaluated: 2016-03-18. Review status: criteria provided, single submitter. Criteria: GeneDx Variant Classification (06012015). Collection method: clinical testing. Allele origin: germline. Affected: yes. Not counted in ClinVar's aggregate classification.
Comment: This variant is considered likely benign or benign based on one or more of the following criteria: it is a conservative change, it occurs at a poorly conserved position in the protein, it is predicted to be benign by multiple in silico algorithms, and/or has population frequency not consistent with disease.

NM_001379110.1(SLC9A6):c.638-5A>G

Gene: SLC9A6 (solute carrier family 9 member A6; plus strand). Cytogenetic location: Xq26.3.
Variant type: single nucleotide variant.
Coding change: c.638-5A>G on transcript NM_001379110.1 (MANE Select); 5 bases into the intron before coding-DNA position 638, A replaced by G.
Molecular consequence: intron variant.
Genome position (GRCh38, 1-based): chrX:136,002,103, A>G. VCF-style: chrX-136002103-A-G. GRCh37 (hg19) VCF-style: chrX-135084262-A-G.
Other names: c.794-5A>G (NM_001042537.2); c.698-5A>G (NM_006359.3); c.638-5A>G (NM_001177651.2); c.542-5A>G (NM_001330652.2).
Identifiers: ClinVar variation 379485 (VCV000379485.14), dbSNP rs1057520615, ClinGen allele CA16608280.